The following is an entry in ClinVar:

ClinVar aggregate classification (germline): Uncertain significance (1 of 4 stars; one submission).

Conditions:
Inborn genetic diseases. Identifiers: MedGen C0950123, MeSH D030342.

Allele frequency attached by ClinVar (database versions not stated): TOPMed 0.00001; gnomAD 0.00003; 1000 Genomes Project 30x 0.00016.
gnomAD v4.1: 6 of 1,432,716 alleles (0.00042%); highest among the groups gnomAD compares: African/African-American, 0.006%; no homozygotes.

Submission:

Ambry Genetics
Classification: Uncertain significance for Inborn genetic diseases. Last evaluated: 2022-10-17. Review status: criteria provided, single submitter. Criteria: Ambry Variant Classification Scheme 2023. Collection method: clinical testing. Allele origin: germline.
Comment: Occurs in the last base pair of the exon Based on insufficient or conflicting evidence, the clinical significance of this alteration remains unclear.

NM_020812.4(DOCK6):c.132G>A (p.Gly44=)

Gene: DOCK6 (dedicator of cytokinesis 6; minus strand). Cytogenetic location: 19p13.2.
Variant type: single nucleotide variant.
Coding change: c.132G>A on transcript NM_020812.4 (MANE Select); coding-DNA position 132, G replaced by A.
Protein change: p.Gly44=; no amino-acid change (glycine 44 retained).
Molecular consequence: synonymous variant.
Genome position (GRCh38, 1-based): chr19:11,253,639, C>T on the plus strand (G>A on the coding strand, the complement: DOCK6 is on the minus strand). VCF-style: chr19-11253639-C-T. GRCh37 (hg19) VCF-style: chr19-11364315-C-T.
Other names: c.132G>A, p.Gly44= (NM_001367830.1).
Identifiers: ClinVar variation 2316036 (VCV002316036.2), dbSNP rs1231502732, ClinGen allele CA505499995.